The following is an entry in ClinVar:

ClinVar aggregate classification (germline): Uncertain significance (0 of 4 stars; one submission).

Conditions:
CPSF1-related disorder. Also called: CPSF1-related condition.

Submission:

PreventionGenetics, part of Exact Sciences
Classification: Uncertain significance for CPSF1-related condition. Last evaluated: 2024-05-06. Review status: no assertion criteria provided. Collection method: clinical testing. Allele origin: germline.
Comment: The CPSF1 c.910A>G variant is predicted to result in the amino acid substitution p.Thr304Ala. To our knowledge, this variant has not been reported in the literature. This variant is reported in 0.00098% of alleles in individuals of European (Non-Finnish) descent in gnomAD. At this time, the clinical significance of this variant is uncertain due to the absence of conclusive functional and genetic evidence.

NM_013291.3(CPSF1):c.910A>G (p.Thr304Ala)

Gene: CPSF1 (cleavage and polyadenylation specific factor 1; minus strand). Cytogenetic location: 8q24.3.
Variant type: single nucleotide variant.
Coding change: c.910A>G on transcript NM_013291.3 (MANE Select); coding-DNA position 910, A replaced by G.
Protein change: p.Thr304Ala; replaces threonine 304 with alanine.
Molecular consequence: missense variant.
Genome position (GRCh38, 1-based): chr8:144,400,193, T>C on the plus strand (A>G on the coding strand, the complement: CPSF1 is on the minus strand). VCF-style: chr8-144400193-T-C. GRCh37 (hg19) VCF-style: chr8-145625587-T-C.
Other names: short protein forms T304A.
Identifiers: ClinVar variation 3346644 (VCV003346644.1).